The following is an entry in ClinVar:

NM_000235.4(LIPA):c.449A>G (p.Tyr150Cys)

Gene: LIPA (lipase A, lysosomal acid type; minus strand). Cytogenetic location: 10q23.31.
Variant type: single nucleotide variant.
Coding change: c.449A>G on transcript NM_000235.4 (MANE Select); coding-DNA position 449, A replaced by G.
Protein change: p.Tyr150Cys; replaces tyrosine 150 with cysteine.
Molecular consequence: missense variant.
Genome position (GRCh38, 1-based): chr10:89,226,984, T>C on the plus strand (A>G on the coding strand, the complement: LIPA is on the minus strand). VCF-style: chr10-89226984-T-C. GRCh37 (hg19) VCF-style: chr10-90986741-T-C.
Other names: c.449A>G, p.Tyr150Cys (NM_001127605.3); c.101A>G, p.Tyr34Cys (NM_001288979.2); c.449A>G (NM_000235.2); short protein forms Y150C, Y34C.
Identifiers: ClinVar variation 498316 (VCV000498316.8), dbSNP rs751257648, ClinGen allele CA5593716.

ClinVar aggregate classification (germline): Uncertain significance. Review status: criteria provided, multiple submitters, no conflicts (2 of 4 stars). 3 submissions from 3 submitters: Uncertain significance (3). Last evaluated 2025-10-11.

Conditions:
Wolman disease (WOLD). Also called: Acid cholesteryl ester hydrolase deficiency, Wolman type; Acid lipase disease; Wolman disease with hypolipoproteinemia and acanthocytosis; LYSOSOMAL ACID LIPASE DEFICIENCY, ACUTE INFANTILE; LYSOSOMAL ACID LIPASE DEFICIENCY, COMPLETE; LIPA DEFICIENCY, COMPLETE. Identifiers: Orphanet 75233, MedGen C0043208, MONDO:0019148, OMIM 620151.
Cardiovascular phenotype. Identifiers: MedGen CN230736.

Allele frequency attached by ClinVar (database versions not stated): gnomAD exomes 0.00001 and below 0.00001; ExAC 0.00001.
gnomAD v4.1: 2 of 1,611,504 alleles (0.00012%); highest among the groups gnomAD compares: Admixed American, 0.0017%; no homozygotes.

Submissions (3):

Labcorp Genetics (formerly Invitae), Labcorp
Classification: Uncertain significance for Wolman disease. Last evaluated: 2025-10-11. Review status: criteria provided, single submitter. Criteria: Invitae Variant Classification Sherloc (09022015). Collection method: clinical testing. Allele origin: germline.
Comment: This sequence change replaces tyrosine, which is neutral and polar, with cysteine, which is neutral and slightly polar, at codon 150 of the LIPA protein (p.Tyr150Cys). This variant is present in population databases (rs751257648, gnomAD 0.002%). This variant has not been reported in the literature in individuals affected with LIPA-related conditions. ClinVar contains an entry for this variant (Variation ID: 498316). Invitae Evidence Modeling of protein sequence and biophysical properties (such as structural, functional, and spatial information, amino acid conservation, physicochemical variation, residue mobility, and thermodynamic stability) indicates that this missense variant is expected to disrupt LIPA protein function with a positive predictive value of 95%. In summary, the available evidence is currently insufficient to determine the role of this variant in disease. Therefore, it has been classified as a Variant of Uncertain Significance.

Ambry Genetics
Classification: Uncertain significance for Cardiovascular phenotype. Last evaluated: 2022-03-21. Review status: criteria provided, single submitter. Criteria: Ambry Variant Classification Scheme 2023. Collection method: clinical testing. Allele origin: germline.

Eurofins Ntd Llc (ga)
Classification: Uncertain significance. Last evaluated: 2016-11-30. Review status: criteria provided, single submitter. Criteria: EGL Classification Definitions 2015. Collection method: clinical testing. Allele origin: germline. Observed: 1 variant allele, 1 heterozygote.